The following is an entry in ClinVar:

ClinVar aggregate classification (germline): Uncertain significance (1 of 4 stars; one submission).

Conditions:
Cardiovascular phenotype. Identifiers: MedGen CN230736.

gnomAD v4.1: 3 of 1,613,984 alleles (0.00019%); highest among the groups gnomAD compares: Admixed American, 0.005%; no homozygotes.

Submission:

Ambry Genetics
Classification: Uncertain significance for Cardiovascular phenotype. Last evaluated: 2025-09-10. Review status: criteria provided, single submitter. Criteria: Ambry Variant Classification Scheme 2023. Collection method: clinical testing. Allele origin: germline.
Comment: The p.A1134T variant (also known as c.3400G>A), located in coding exon 28 of the RYR2 gene, results from a G to A substitution at nucleotide position 3400. The alanine at codon 1134 is replaced by threonine, an amino acid with similar properties. This amino acid position is highly conserved in available vertebrate species. In addition, the in silico prediction for this alteration is inconclusive. Based on the available evidence, the clinical significance of this variant remains unclear.

NM_001035.3(RYR2):c.3400G>A (p.Ala1134Thr)

Gene: RYR2 (ryanodine receptor 2; plus strand). Cytogenetic location: 1q43.
Variant type: single nucleotide variant.
Coding change: c.3400G>A on transcript NM_001035.3 (MANE Select); coding-DNA position 3400, G replaced by A.
Protein change: p.Ala1134Thr; replaces alanine 1134 with threonine.
Molecular consequence: missense variant.
Genome position (GRCh38, 1-based): chr1:237,566,752, G>A. VCF-style: chr1-237566752-G-A. GRCh37 (hg19) VCF-style: chr1-237730052-G-A.
Other names: short protein forms A1134T.
Identifiers: ClinVar variation 4158452 (VCV004158452.1).